The following is an entry in ClinVar:

ClinVar aggregate classification (germline): Uncertain significance (1 of 4 stars; one submission).

Allele frequency attached by ClinVar (database versions not stated): gnomAD exomes below 0.00001; TOPMed 0.00001.

Submission:

Labcorp Genetics (formerly Invitae), Labcorp
Classification: Uncertain significance. Last evaluated: 2022-11-28. Review status: criteria provided, single submitter. Criteria: Invitae Variant Classification Sherloc (09022015). Collection method: clinical testing. Allele origin: germline.
Comment: This sequence change replaces valine, which is neutral and non-polar, with alanine, which is neutral and non-polar, at codon 79 of the EXOSC8 protein (p.Val79Ala). This variant is not present in population databases (gnomAD no frequency). This variant has not been reported in the literature in individuals affected with EXOSC8-related conditions. Algorithms developed to predict the effect of missense changes on protein structure and function are either unavailable or do not agree on the potential impact of this missense change (SIFT: "Deleterious"; PolyPhen-2: "Benign"; Align-GVGD: "Class C0"). In summary, the available evidence is currently insufficient to determine the role of this variant in disease. Therefore, it has been classified as a Variant of Uncertain Significance.

NM_181503.3(EXOSC8):c.236T>C (p.Val79Ala)

Gene: EXOSC8 (exosome component 8; plus strand). Cytogenetic location: 13q13.3.
Variant type: single nucleotide variant.
Coding change: c.236T>C on transcript NM_181503.3 (MANE Select); coding-DNA position 236, T replaced by C.
Protein change: p.Val79Ala; replaces valine 79 with alanine.
Molecular consequence: missense variant.
Genome position (GRCh38, 1-based): chr13:37,004,559, T>C. VCF-style: chr13-37004559-T-C. GRCh37 (hg19) VCF-style: chr13-37578696-T-C.
Other names: short protein forms V79A.
Identifiers: ClinVar variation 2985092 (VCV002985092.3), dbSNP rs1035663362, ClinGen allele CA248243441.